The following is an entry in ClinVar:

NM_000038.6(APC):c.4586A>T (p.Gln1529Leu)

Gene: APC (APC regulator of Wnt signaling pathway; plus strand). Cytogenetic location: 5q22.2.
Variant type: single nucleotide variant.
Coding change: c.4586A>T on transcript NM_000038.6 (MANE Select); coding-DNA position 4586, A replaced by T.
Protein change: p.Gln1529Leu; replaces glutamine 1529 with leucine.
Molecular consequence: missense variant. On other transcripts: non-coding transcript variant (2).
Genome position (GRCh38, 1-based): chr5:112,840,180, A>T. VCF-style: chr5-112840180-A-T. GRCh37 (hg19) VCF-style: chr5-112175877-A-T.
Other names: c.4586A>T, p.Gln1529Leu (NM_001127510.3, NM_001354895.2, NM_001407450.1); c.4532A>T, p.Gln1511Leu (NM_001127511.3); c.4640A>T, p.Gln1547Leu (NM_001354896.2, NM_001407447.1, NM_001407448.1 and 1 more transcripts); c.4616A>T, p.Gln1539Leu (NM_001354897.2); c.4511A>T, p.Gln1504Leu (NM_001354898.2); c.4502A>T, p.Gln1501Leu (NM_001354899.2); c.4463A>T, p.Gln1488Leu (NM_001354900.2); c.4409A>T, p.Gln1470Leu (NM_001354901.2, NM_001407453.1); and 11 more; short protein forms Q1145L, Q1246L, Q1369L, Q1400L, Q1403L, Q1428L, Q1438L, Q1446L.
Identifiers: ClinVar variation 3230530 (VCV003230530.1), dbSNP rs1580649952, ClinGen allele CA16031374.
Genomic context (GRCh38, chr5:112,840,180, plus strand): 5'-TGAGCCTCGATGAGCCATTTATACAGAAAGATGTGGAATTAAGAATAATGCCTCCAGTTC[A>T]GGAAAATGACAATGGGAATGAAACAGAATCAGAGCAGCCTAAAGAATCAAATGAAAACCA-3'
Protein context (NP_000029.2, residues 1519-1539): DVELRIMPPV[Gln1529Leu]ENDNGNETES

ClinVar aggregate classification (germline): Uncertain significance (1 of 4 stars; one submission).

Conditions:
Hereditary cancer-predisposing syndrome. Also called: Neoplastic Syndromes, Hereditary; Tumor predisposition; Hereditary neoplastic syndrome; Hereditary Cancer Syndrome. Identifiers: Orphanet 140162, MedGen C0027672, MeSH D009386, MONDO:0015356.

Submission:

Ambry Genetics
Classification: Uncertain significance for Hereditary cancer-predisposing syndrome. Last evaluated: 2024-02-22. Review status: criteria provided, single submitter. Criteria: Ambry Variant Classification Scheme 2023. Collection method: clinical testing. Allele origin: germline.
Comment: The p.Q1529L variant (also known as c.4586A>T), located in coding exon 15 of the APC gene, results from an A to T substitution at nucleotide position 4586. The glutamine at codon 1529 is replaced by leucine, an amino acid with dissimilar properties. This amino acid position is conserved. In addition, in silico predictors for this gene do not accurately predict pathogenicity. Based on the available evidence, the clinical significance of this alteration remains unclear.